The following is an entry in ClinVar:

ClinVar aggregate classification (germline): Uncertain significance (1 of 4 stars; one submission).

Allele frequency attached by ClinVar (database versions not stated): gnomAD exomes below 0.00001; TOPMed below 0.00001.
gnomAD v4.1: 2 of 1,537,172 alleles (0.00013%); highest among the groups gnomAD compares: Non-Finnish European, 0.00018%; no homozygotes.

Submission:

Labcorp Genetics (formerly Invitae), Labcorp
Classification: Uncertain significance. Last evaluated: 2022-07-30. Review status: criteria provided, single submitter. Criteria: Invitae Variant Classification Sherloc (09022015). Collection method: clinical testing. Allele origin: germline.
Comment: This sequence change replaces arginine, which is basic and polar, with cysteine, which is neutral and slightly polar, at codon 2883 of the UNC80 protein (p.Arg2883Cys). This variant is not present in population databases (gnomAD no frequency). This variant has not been reported in the literature in individuals affected with UNC80-related conditions. Algorithms developed to predict the effect of missense changes on protein structure and function are either unavailable or do not agree on the potential impact of this missense change (SIFT: "Not Available"; PolyPhen-2: "Probably Damaging"; Align-GVGD: "Not Available"). In summary, the available evidence is currently insufficient to determine the role of this variant in disease. Therefore, it has been classified as a Variant of Uncertain Significance.

NM_001371986.1(UNC80):c.8845C>T (p.Arg2949Cys)

Gene: UNC80 (unc-80 homolog, NALCN channel complex subunit; plus strand). Cytogenetic location: 2q34.
Variant type: single nucleotide variant.
Coding change: c.8845C>T on transcript NM_001371986.1 (MANE Select); coding-DNA position 8845, C replaced by T.
Protein change: p.Arg2949Cys; replaces arginine 2949 with cysteine.
Molecular consequence: missense variant.
Genome position (GRCh38, 1-based): chr2:209,976,985, C>T. VCF-style: chr2-209976985-C-T. GRCh37 (hg19) VCF-style: chr2-210841709-C-T.
Other names: c.8647C>T, p.Arg2883Cys (NM_032504.2); c.8632C>T, p.Arg2878Cys (NM_182587.4); short protein forms R2883C, R2949C, R2878C.
Identifiers: ClinVar variation 1946684 (VCV001946684.2), dbSNP rs1298964913, ClinGen allele CA350414155.